The following is an entry in ClinVar:

NM_002878.4(RAD51D):c.934G>A (p.Gly312Arg)

Genes: RAD51L3-RFFL (RAD51L3-RFFL readthrough; minus strand), RAD51D (RAD51 paralog D; minus strand). Cytogenetic location: 17q12.
Variant type: single nucleotide variant.
Coding change: c.934G>A on transcript NM_002878.4 (MANE Select); coding-DNA position 934, G replaced by A.
Protein change: p.Gly312Arg; replaces glycine 312 with arginine.
Molecular consequence: missense variant. On other transcripts: non-coding transcript variant (2).
Genome position (GRCh38, 1-based): chr17:35,101,006, C>T on the plus strand (G>A on the coding strand, the complement: RAD51D is on the minus strand). VCF-style: chr17-35101006-C-T. GRCh37 (hg19) VCF-style: chr17-33428025-C-T.
Other names: c.994G>A, p.Gly332Arg (NM_001142571.2); c.598G>A, p.Gly200Arg (NM_133629.3); short protein forms G200R, G332R, G312R.
Identifiers: ClinVar variation 3312408 (VCV003312408.2).

ClinVar aggregate classification (germline): Uncertain significance. Review status: criteria provided, multiple submitters, no conflicts (2 of 4 stars). 2 submissions from 2 submitters: Uncertain significance (2). Last evaluated 2025-11-16.

Conditions:
Breast-ovarian cancer, familial, susceptibility to, 4. Identifiers: Orphanet 145, MedGen C3280345, MONDO:0013669, OMIM 614291.
Hereditary cancer-predisposing syndrome. Also called: Neoplastic Syndromes, Hereditary; Tumor predisposition; Hereditary neoplastic syndrome; Hereditary Cancer Syndrome. Identifiers: Orphanet 140162, MedGen C0027672, MeSH D009386, MONDO:0015356.

gnomAD v4.1: 3 of 1,613,876 alleles (0.00019%); highest among the groups gnomAD compares: South Asian, 0.0033%; no homozygotes.

Submissions (2):

Labcorp Genetics (formerly Invitae), Labcorp
Classification: Uncertain significance for Breast-ovarian cancer, familial, susceptibility to, 4. Last evaluated: 2025-11-16. Review status: criteria provided, single submitter. Criteria: Invitae Variant Classification Sherloc (09022015). Collection method: clinical testing. Allele origin: germline.
Comment: This sequence change replaces glycine, which is neutral and non-polar, with arginine, which is basic and polar, at codon 312 of the RAD51D protein (p.Gly312Arg). This variant is not present in population databases (gnomAD no frequency). This variant has not been reported in the literature in individuals affected with RAD51D-related conditions. ClinVar contains an entry for this variant (Variation ID: 3312408). Invitae Evidence Modeling of protein sequence and biophysical properties (such as structural, functional, and spatial information, amino acid conservation, physicochemical variation, residue mobility, and thermodynamic stability) indicates that this missense variant is not expected to disrupt RAD51D protein function with a negative predictive value of 80%. In summary, the available evidence is currently insufficient to determine the role of this variant in disease. Therefore, it has been classified as a Variant of Uncertain Significance.

Ambry Genetics
Classification: Uncertain significance for Hereditary cancer-predisposing syndrome. Last evaluated: 2024-05-22. Review status: criteria provided, single submitter. Criteria: Ambry Variant Classification Scheme 2023. Collection method: clinical testing. Allele origin: germline.
Comment: The p.G312R variant (also known as c.934G>A), located in coding exon 10 of the RAD51D gene, results from a G to A substitution at nucleotide position 934. The glycine at codon 312 is replaced by arginine, an amino acid with dissimilar properties. This amino acid position is conserved. In addition, this alteration is predicted to be tolerated by in silico analysis. Based on the available evidence, the clinical significance of this variant remains unclear.